The following is an entry in ClinVar:

NM_032447.5(FBN3):c.1714+3G>A

Gene: FBN3 (fibrillin 3; minus strand). Cytogenetic location: 19p13.2.
Variant type: single nucleotide variant.
Coding change: c.1714+3G>A on transcript NM_032447.5 (MANE Select); 3 bases into the intron after coding-DNA position 1714, G replaced by A.
Molecular consequence: intron variant.
Genome position (GRCh38, 1-based): chr19:8,132,981, C>T on the plus strand (G>A on the coding strand, the complement: FBN3 is on the minus strand). VCF-style: chr19-8132981-C-T. GRCh37 (hg19) VCF-style: chr19-8197865-C-T.
Other names: c.1714+3G>A (NM_001321431.1, NM_001321431.2).
Identifiers: ClinVar variation 1598996 (VCV001598996.11), dbSNP rs11666450, ClinGen allele CA9153201.

ClinVar aggregate classification (germline): Benign. Review status: criteria provided, multiple submitters, no conflicts (2 of 4 stars). 3 submissions from 3 submitters: Benign (2). 1 of the submissions does not count toward it. Last evaluated 2026-02-04.

Conditions:
FBN3-related disorder. Also called: FBN3-related condition.

Allele frequency attached by ClinVar (database versions not stated): gnomAD exomes 0.35164 and 0.28569; 1000 Genomes Project 0.18111; gnomAD 0.28429 and 0.28062; ExAC 0.36215; 1000 Genomes Project 30x 0.17864; TOPMed 0.27134; ESP Exome Variant Server 0.30372.
gnomAD v4.1: 533,708 of 1,550,886 alleles (34%); highest among the groups gnomAD compares: Non-Finnish European, 38%; 97,965 homozygotes.

Submissions (3):

Labcorp Genetics (formerly Invitae), Labcorp
Classification: Benign. Last evaluated: 2026-02-04. Review status: criteria provided, single submitter. Criteria: Invitae Variant Classification Sherloc (09022015). Collection method: clinical testing. Allele origin: germline.

Breakthrough Genomics
Classification: Benign. Review status: criteria provided, single submitter. Criteria: ACMG Guidelines, 2015. Collection method: not provided. Allele origin: germline. Inheritance: Unknown mechanism. Affected: yes.

PreventionGenetics, part of Exact Sciences
Classification: Benign for FBN3-related condition. Last evaluated: 2019-10-17. Review status: no assertion criteria provided. Collection method: clinical testing. Allele origin: germline. Not counted in ClinVar's aggregate classification.
Comment: This variant is classified as benign based on ACMG/AMP sequence variant interpretation guidelines (Richards et al. 2015 PMID: 25741868, with internal and published modifications).